The following is an entry in ClinVar:

ClinVar aggregate classification (germline): Uncertain significance. Review status: criteria provided, multiple submitters, no conflicts (2 of 4 stars). 2 submissions from 2 submitters: Uncertain significance (2). Last evaluated 2024-11-02.

Conditions:
Inborn genetic diseases. Identifiers: MedGen C0950123, MeSH D030342.
Mosaic variegated aneuploidy syndrome 1 (MVA1). Also called: Warburton-Anyane-Yeboa syndrome. Identifiers: Orphanet 1052, MedGen C1850343, MONDO:0009759, OMIM 257300.

Allele frequency attached by ClinVar (database versions not stated): TOPMed below 0.00001; gnomAD exomes 0.00001.
gnomAD v4.1: 11 of 1,612,702 alleles (0.00068%); highest among the groups gnomAD compares: Admixed American, 0.0033%; no homozygotes.

Submissions (2):

Labcorp Genetics (formerly Invitae), Labcorp
Classification: Uncertain significance for Mosaic variegated aneuploidy syndrome 1. Last evaluated: 2024-11-02. Review status: criteria provided, single submitter. Criteria: Invitae Variant Classification Sherloc (09022015). Collection method: clinical testing. Allele origin: germline.
Comment: This sequence change replaces cysteine, which is neutral and slightly polar, with glycine, which is neutral and non-polar, at codon 775 of the BUB1B protein (p.Cys775Gly). This variant is present in population databases (no rsID available, gnomAD 0.003%). This variant has not been reported in the literature in individuals affected with BUB1B-related conditions. ClinVar contains an entry for this variant (Variation ID: 1011954). An algorithm developed to predict the effect of missense changes on protein structure and function outputs the following: PolyPhen-2: "Benign". The glycine amino acid residue is found in multiple mammalian species, which suggests that this missense change does not adversely affect protein function. In summary, the available evidence is currently insufficient to determine the role of this variant in disease. Therefore, it has been classified as a Variant of Uncertain Significance.

Ambry Genetics
Classification: Uncertain significance for Inborn genetic diseases. Last evaluated: 2021-10-05. Review status: criteria provided, single submitter. Criteria: Ambry Variant Classification Scheme 2023. Collection method: clinical testing. Allele origin: germline.
Comment: The p.C775G variant (also known as c.2323T>G), located in coding exon 18 of the BUB1B gene, results from a T to G substitution at nucleotide position 2323. The cysteine at codon 775 is replaced by glycine, an amino acid with highly dissimilar properties. This amino acid position is conserved. In addition, this alteration is predicted to be tolerated by in silico analysis. Since supporting evidence is limited at this time, the clinical significance of this alteration remains unclear.

NM_001211.6(BUB1B):c.2323T>G (p.Cys775Gly)

Gene: BUB1B (BUB1 mitotic checkpoint serine/threonine kinase B; plus strand). Cytogenetic location: 15q15.1.
Variant type: single nucleotide variant.
Coding change: c.2323T>G on transcript NM_001211.6 (MANE Select); coding-DNA position 2323, T replaced by G.
Protein change: p.Cys775Gly; replaces cysteine 775 with glycine.
Molecular consequence: missense variant.
Genome position (GRCh38, 1-based): chr15:40,210,148, T>G. VCF-style: chr15-40210148-T-G. GRCh37 (hg19) VCF-style: chr15-40502349-T-G.
Other names: short protein forms C775G.
Identifiers: ClinVar variation 1011954 (VCV001011954.12), dbSNP rs1025942169, ClinGen allele CA268801230.